The following is an entry in ClinVar:

NM_000441.2(SLC26A4):c.1146C>G (p.Asn382Lys)

Gene: SLC26A4 (solute carrier family 26 member 4; plus strand). Cytogenetic location: 7q22.3.
Variant type: single nucleotide variant.
Coding change: c.1146C>G on transcript NM_000441.2 (MANE Select); coding-DNA position 1146, C replaced by G.
Protein change: p.Asn382Lys; replaces asparagine 382 with lysine.
Molecular consequence: missense variant.
Genome position (GRCh38, 1-based): chr7:107,689,197, C>G. VCF-style: chr7-107689197-C-G. GRCh37 (hg19) VCF-style: chr7-107329642-C-G.
Other names: short protein forms N382K.
Identifiers: ClinVar variation 1065085 (VCV001065085.4), dbSNP rs780791787, ClinGen allele CA4432693.

ClinVar aggregate classification (germline): Uncertain significance. Review status: criteria provided, multiple submitters, no conflicts (2 of 4 stars). 2 submissions from 2 submitters: Uncertain significance (2). Last evaluated 2021-11-17.

Conditions:
Hearing impairment. Also called: Impaired Hearing. Identifiers: MedGen C1384666, MONDO:0005365, HP:0000365.

Allele frequency attached by ClinVar (database versions not stated): gnomAD 0.00001; gnomAD exomes 0.00001; ExAC 0.00002.
gnomAD v4.1: 1 of 1,613,402 alleles (0.000062%); highest among the groups gnomAD compares: Non-Finnish European, 0.000085%; no homozygotes.

Submissions (2):

Women's Health and Genetics/Laboratory Corporation of America, LabCorp
Classification: Uncertain significance. Last evaluated: 2021-11-17. Review status: criteria provided, single submitter. Criteria: LabCorp Variant Classification Summary - May 2015. Collection method: clinical testing. Allele origin: germline.
Comment: Variant summary: SLC26A4 c.1146C>G (p.Asn382Lys) results in a non-conservative amino acid change located in the SLC26A/SulP transporter domain (IPR011547) of the encoded protein sequence. Five of five in-silico tools predict a damaging effect of the variant on protein function. The variant allele was found at a frequency of 8e-06 in 251150 control chromosomes. The available data on variant occurrences in the general population are insufficient to allow any conclusion about variant significance. c.1146C>G has been reported in the literature as a non-informative genotype (second allele not specified) in at-least one individual affected with prelingual sensorineural hearing loss (SNHL) who was previously screened negative for GJB2, GJB6 and MT-RNR1 genes (example, Carvalho_2018). These report(s) do not provide unequivocal conclusions about association of the variant with Pendred Syndrome. To our knowledge, no experimental evidence demonstrating an impact on protein function has been reported. One clinical diagnostic laboratory has submitted clinical-significance assessments for this variant to ClinVar after 2014 without evidence for independent evaluation and classified the variant as uncertain significance. Based on the evidence outlined above, the variant was classified as uncertain significance.

Department of Otolaryngology – Head & Neck Surgery, Cochlear Implant Center
Classification: Uncertain significance for Hearing impairment. Last evaluated: 2021-04-12. Review status: criteria provided, single submitter. Criteria: ClinGen HL ACMG Specifications v1. Collection method: clinical testing. Allele origin: germline. Affected: yes.
Comment: PM2_Moderate, PP3_Supporting

Literature cited by the submitters: PubMed 30068397 (cited by Women's Health and Genetics/Laboratory Corporation of America, LabCorp).